The following is an entry in ClinVar:

NM_001382347.1(MYO5A):c.3103A>C (p.Lys1035Gln)

Gene: MYO5A (myosin VA; minus strand). Cytogenetic location: 15q21.2.
Variant type: single nucleotide variant.
Coding change: c.3103A>C on transcript NM_001382347.1 (MANE Select); coding-DNA position 3103, A replaced by C.
Protein change: p.Lys1035Gln; replaces lysine 1035 with glutamine.
Molecular consequence: missense variant.
Genome position (GRCh38, 1-based): chr15:52,367,088, T>G on the plus strand (A>C on the coding strand, the complement: MYO5A is on the minus strand). VCF-style: chr15-52367088-T-G. GRCh37 (hg19) VCF-style: chr15-52659285-T-G.
Other names: c.3103A>C, p.Lys1035Gln (NM_000259.3, NM_001142495.2, NM_001411135.1); c.3175A>C, p.Lys1059Gln (NM_001382348.1, NM_001382349.1); short protein forms K1059Q, K1035Q.
Identifiers: ClinVar variation 2003594 (VCV002003594.5), dbSNP rs2543736769, ClinGen allele CA392519150.

ClinVar aggregate classification (germline): Uncertain significance (1 of 4 stars; one submission).

Conditions:
Griscelli syndrome type 1 (GS1). Also called: GRISCELLI SYNDROME WITH NEUROLOGIC IMPAIRMENT; GRISCELLI SYNDROME, CUTANEOUS AND NEUROLOGIC TYPE; PARTIAL ALBINISM AND PRIMARY NEUROLOGIC DISEASE WITHOUT HEMOPHAGOCYTIC SYNDROME. Identifiers: Orphanet 381, Orphanet 79476, MedGen C1859194, MONDO:0008962, OMIM 214450.

Submission:

Labcorp Genetics (formerly Invitae), Labcorp
Classification: Uncertain significance. Last evaluated: 2022-06-26. Review status: criteria provided, single submitter. Criteria: Invitae Variant Classification Sherloc (09022015). Collection method: clinical testing. Allele origin: germline.
Comment: This variant is not present in population databases (gnomAD no frequency). In summary, the available evidence is currently insufficient to determine the role of this variant in disease. Therefore, it has been classified as a Variant of Uncertain Significance. Algorithms developed to predict the effect of missense changes on protein structure and function (SIFT, PolyPhen-2, Align-GVGD) all suggest that this variant is likely to be tolerated. This variant has not been reported in the literature in individuals affected with MYO5A-related conditions. This sequence change replaces lysine, which is basic and polar, with glutamine, which is neutral and polar, at codon 1035 of the MYO5A protein (p.Lys1035Gln).